The following is an entry in ClinVar:

NM_001374504.1(TMPRSS6):c.1086G>A (p.Thr362=)

Gene: TMPRSS6 (transmembrane serine protease 6; minus strand). Cytogenetic location: 22q12.3.
Variant type: single nucleotide variant.
Coding change: c.1086G>A on transcript NM_001374504.1 (MANE Select); coding-DNA position 1086, G replaced by A.
Protein change: p.Thr362=; no amino-acid change (threonine 362 retained).
Molecular consequence: synonymous variant.
Genome position (GRCh38, 1-based): chr22:37,084,727, C>T on the plus strand (G>A on the coding strand, the complement: TMPRSS6 is on the minus strand). VCF-style: chr22-37084727-C-T. GRCh37 (hg19) VCF-style: chr22-37480767-C-T.
Other names: c.1086G>A, p.Thr362= (NM_001289000.2, NM_001289001.2, NM_153609.4).
Identifiers: ClinVar variation 900614 (VCV000900614.7), dbSNP rs976867694, ClinGen allele CA324060462.

ClinVar aggregate classification (germline): Uncertain significance. Review status: criteria provided, multiple submitters, no conflicts (2 of 4 stars). 2 submissions from 2 submitters: Uncertain significance (2). Last evaluated 2023-08-04.

Conditions:
Microcytic anemia. Identifiers: MedGen C5194182, MONDO:0001245, HP:0001935. Disease mechanism: loss of function.

Allele frequency attached by ClinVar (database versions not stated): gnomAD 0.00001; TOPMed 0.00001.
gnomAD v4.1: 16 of 1,559,018 alleles (0.001%); highest among the groups gnomAD compares: South Asian, 0.0071%; no homozygotes.

Submissions (2):

Labcorp Genetics (formerly Invitae), Labcorp
Classification: Uncertain significance. Last evaluated: 2023-08-04. Review status: criteria provided, single submitter. Criteria: Invitae Variant Classification Sherloc (09022015). Collection method: clinical testing. Allele origin: germline.
Comment: In summary, the available evidence is currently insufficient to determine the role of this variant in disease. Therefore, it has been classified as a Variant of Uncertain Significance. This sequence change affects codon 371 of the TMPRSS6 mRNA. It is a 'silent' change, meaning that it does not change the encoded amino acid sequence of the TMPRSS6 protein. This variant also falls at the last nucleotide of exon 9, which is part of the consensus splice site for this exon. The frequency data for this variant in the population databases is considered unreliable, as metrics indicate poor data quality at this position in the gnomAD database. This variant has been observed in individual(s) with iron-refractory iron deficiency anemia (PMID: 25873000). ClinVar contains an entry for this variant (Variation ID: 900614). Variants that disrupt the consensus splice site are a relatively common cause of aberrant splicing (PMID: 17576681, 9536098). Algorithms developed to predict the effect of sequence changes on RNA splicing suggest that this variant may disrupt the consensus splice site.

Illumina Laboratory Services, Illumina
Classification: Uncertain significance for Iron-refractory iron deficiency anemia. Last evaluated: 2017-04-27. Review status: criteria provided, single submitter. Criteria: ICSL Variant Classification Criteria 13 December 2019. Collection method: clinical testing. Allele origin: germline.
Comment: This variant was observed as part of a predisposition screen in an ostensibly healthy population. A literature search was performed for the gene, cDNA change, and amino acid change (where applicable). Publications were found based on this search. However, the evidence from the literature, in combination with allele frequency data from public databases where available, was not sufficient to rule this variant in or out of causing disease. Therefore, this variant is classified as a variant of unknown significance.

Literature cited by the submitters: PubMed 25873000 (cited by Labcorp Genetics (formerly Invitae), Labcorp and Illumina Laboratory Services, Illumina); PubMed 17576681 (cited by Labcorp Genetics (formerly Invitae), Labcorp); PubMed 9536098 (cited by Labcorp Genetics (formerly Invitae), Labcorp).